The following is an entry in ClinVar:

NM_013275.6(ANKRD11):c.5230C>G (p.His1744Asp)

Gene: ANKRD11 (ankyrin repeat domain 11; minus strand). Cytogenetic location: 16q24.3.
Variant type: single nucleotide variant.
Coding change: c.5230C>G on transcript NM_013275.6 (MANE Select); coding-DNA position 5230, C replaced by G.
Protein change: p.His1744Asp; replaces histidine 1744 with aspartic acid.
Molecular consequence: missense variant.
Genome position (GRCh38, 1-based): chr16:89,281,312, G>C on the plus strand (C>G on the coding strand, the complement: ANKRD11 is on the minus strand). VCF-style: chr16-89281312-G-C. GRCh37 (hg19) VCF-style: chr16-89347720-G-C.
Other names: c.5230C>G, p.His1744Asp (NM_001256182.2, NM_001256183.2); short protein forms H1744D.
Identifiers: ClinVar variation 2068054 (VCV002068054.8), dbSNP rs770511968, ClinGen allele CA8241901.

ClinVar aggregate classification (germline): Conflicting classifications of pathogenicity. Review status: criteria provided, conflicting classifications (1 of 4 stars). 4 submissions from 4 submitters: Uncertain significance (1); Likely benign (3). Last evaluated 2026-05-07.

Conditions:
KBG syndrome (KBGS). Also called: ANKRD11-Related KBG Syndrome. Identifiers: Orphanet 2332, MedGen C0220687, MONDO:0007846, OMIM 148050.

Allele frequency attached by ClinVar (database versions not stated): gnomAD 0.00003; TOPMed 0.00004; ExAC 0.00006.
gnomAD v4.1: 103 of 1,614,012 alleles (0.0064%); highest among the groups gnomAD compares: Middle Eastern, 0.066%; 1 homozygote.

Submissions (4):

Centre for Medical Genetics,  Mumbai
Classification: Likely benign for KBG syndrome. Last evaluated: 2026-05-07. Review status: criteria provided, single submitter. Criteria: ACMG Guidelines, 2015. Collection method: provider interpretation. Allele origin: germline. Inheritance: Autosomal dominant inheritance. Affected: no. Observed: 1 variant allele, 1 heterozygote.
Comment: The variant satisfies PM2 criteria - extremely low frequency in gnomAD population databases. However, the variant satisfies BS2 criteria - present in heterozygous state in an individual that clinically does not have KBG syndrome.

CeGaT Center for Human Genetics Tuebingen
Classification: Likely benign. Last evaluated: 2026-05-01. Review status: criteria provided, single submitter. Criteria: CeGaT Center For Human Genetics Tuebingen Variant Classification Criteria Version 2. Collection method: clinical testing. Allele origin: germline. Affected: yes. Observed: 1 variant allele.
Comment: ANKRD11: BP4

Labcorp Genetics (formerly Invitae), Labcorp
Classification: Uncertain significance for KBG syndrome. Last evaluated: 2025-10-19. Review status: criteria provided, single submitter. Criteria: Invitae Variant Classification Sherloc (09022015). Collection method: clinical testing. Allele origin: germline.
Comment: This sequence change replaces histidine, which is basic and polar, with aspartic acid, which is acidic and polar, at codon 1744 of the ANKRD11 protein (p.His1744Asp). This variant is present in population databases (rs770511968, gnomAD 0.02%). This variant has not been reported in the literature in individuals affected with ANKRD11-related conditions. ClinVar contains an entry for this variant (Variation ID: 2068054). Invitae Evidence Modeling of protein sequence and biophysical properties (such as structural, functional, and spatial information, amino acid conservation, physicochemical variation, residue mobility, and thermodynamic stability) indicates that this missense variant is not expected to disrupt ANKRD11 protein function with a negative predictive value of 95%. In summary, the available evidence is currently insufficient to determine the role of this variant in disease. Therefore, it has been classified as a Variant of Uncertain Significance.

Blueprint Genetics
Classification: Likely benign. Last evaluated: 2024-07-04. Review status: criteria provided, single submitter. Criteria: ACMG Guidelines, 2015. Collection method: clinical testing. Allele origin: germline.

Literature cited by the submitters: PubMed 15378538 (cited by Centre for Medical Genetics,  Mumbai).